The following is an entry in ClinVar:

ClinVar aggregate classification (germline): Uncertain significance (1 of 4 stars; one submission).

Allele frequency attached by ClinVar (database versions not stated): TOPMed 0.00001.
gnomAD v4.1: 3 of 1,602,382 alleles (0.00019%); highest among the groups gnomAD compares: African/African-American, 0.004%; no homozygotes.

Submission:

Labcorp Genetics (formerly Invitae), Labcorp
Classification: Uncertain significance. Last evaluated: 2022-11-08. Review status: criteria provided, single submitter. Criteria: Invitae Variant Classification Sherloc (09022015). Collection method: clinical testing. Allele origin: germline.
Comment: In summary, the available evidence is currently insufficient to determine the role of this variant in disease. Therefore, it has been classified as a Variant of Uncertain Significance. Algorithms developed to predict the effect of sequence changes on RNA splicing suggest that this variant may disrupt the consensus splice site. Algorithms developed to predict the effect of missense changes on protein structure and function are either unavailable or do not agree on the potential impact of this missense change (SIFT: "Deleterious"; PolyPhen-2: "Probably Damaging"; Align-GVGD: "Class C0"). This variant has not been reported in the literature in individuals affected with ANKZF1-related conditions. This variant is not present in population databases (gnomAD no frequency). This sequence change replaces arginine, which is basic and polar, with glycine, which is neutral and non-polar, at codon 338 of the ANKZF1 protein (p.Arg338Gly).

NM_018089.3(ANKZF1):c.1012C>G (p.Arg338Gly)

Gene: ANKZF1 (ankyrin repeat and zinc finger peptidyl tRNA hydrolase 1; plus strand). Cytogenetic location: 2q35.
Variant type: single nucleotide variant.
Coding change: c.1012C>G on transcript NM_018089.3 (MANE Select); coding-DNA position 1012, C replaced by G.
Protein change: p.Arg338Gly; replaces arginine 338 with glycine.
Molecular consequence: missense variant.
Genome position (GRCh38, 1-based): chr2:219,233,907, C>G. VCF-style: chr2-219233907-C-G. GRCh37 (hg19) VCF-style: chr2-220098629-C-G.
Other names: c.1012C>G, p.Arg338Gly (NM_001042410.2); c.382C>G, p.Arg128Gly (NM_001282792.2); short protein forms R338G, R128G.
Identifiers: ClinVar variation 1943355 (VCV001943355.5), dbSNP rs761842964, ClinGen allele CA350678098.